The following is an entry in ClinVar:

NM_030632.3(ASXL3):c.1374dup (p.Glu459fs)

Gene: ASXL3 (ASXL transcriptional regulator 3; plus strand). Cytogenetic location: 18q12.1.
Variant type: Duplication.
Coding change: c.1374dup on transcript NM_030632.3 (MANE Select); coding-DNA position 1374, one base duplicated (A; older notation c.1374dupA).
Protein change: p.Glu459fs; shifts the reading frame from glutamic acid 459.
Molecular consequence: frameshift variant.
Genome position (GRCh38, 1-based): chr18:33,738,778, A duplicated. VCF-style (leftmost placement, unchanged base first): chr18-33738777-T-TA. GRCh37 (hg19) VCF-style: chr18-31318741-T-TA.
Other names: short protein forms E459fs.
Identifiers: ClinVar variation 4855283 (VCV004855283.1).

ClinVar aggregate classification (germline): Likely pathogenic (1 of 4 stars; one submission).

Conditions:
Bainbridge-Ropers syndrome. Also called: Severe feeding difficulties-failure to thrive-microcephaly due to ASXL3 deficiency syndrome. Identifiers: Orphanet 352577, MedGen C4750837, MONDO:0014205, OMIM 615485.

Submission:

3billion
Classification: Likely pathogenic for Bainbridge-Ropers syndrome. Last evaluated: 2025-09-24. Review status: criteria provided, single submitter. Criteria: ACMG Guidelines, 2015. Collection method: clinical testing. Allele origin: germline. Affected: yes.
Comment: The variant is not observed in the gnomAD v4.1.0 dataset. Predicted Consequence/Location: Frameshift: predicted to result in a loss or disruption of normal protein function through nonsense-mediated decay (NMD) or protein truncation. Multiple pathogenic variants are reported downstream of the variant. Therefore, this variant is classified as Likely pathogenic according to the recommendation of ACMG/AMP guideline.